The following is an entry in ClinVar:

NM_000384.3(APOB):c.1919A>G (p.Tyr640Cys)

Gene: APOB (apolipoprotein B; minus strand). Cytogenetic location: 2p24.1.
Variant type: single nucleotide variant.
Coding change: c.1919A>G on transcript NM_000384.3 (MANE Select); coding-DNA position 1919, A replaced by G.
Protein change: p.Tyr640Cys; replaces tyrosine 640 with cysteine.
Molecular consequence: missense variant.
Genome position (GRCh38, 1-based): chr2:21,027,976, T>C on the plus strand (A>G on the coding strand, the complement: APOB is on the minus strand). VCF-style: chr2-21027976-T-C. GRCh37 (hg19) VCF-style: chr2-21250848-T-C.
Other names: short protein forms Y640C.
Identifiers: ClinVar variation 3932974 (VCV003932974.1).
Genomic context (GRCh38, chr2:21,027,976, plus strand): 5'-ATAAGATTCCCTTCTATTTTGGCTGAGGCTGGGTCAAGTGATGGAAGAGAAACAGATTTG[T>C]AGAGTTGATAGTTCCGAGAGAATTTTCTGAAGTCCATGACAGTTGGAAGTTGAGATTCTT-3'
Protein context (NP_000375.3, residues 630-650): FRKFSRNYQL[Tyr640Cys]KSVSLPSLDP

ClinVar aggregate classification (germline): Uncertain significance (1 of 4 stars; one submission).

Conditions:
Cardiovascular phenotype. Identifiers: MedGen CN230736.

Submission:

Ambry Genetics
Classification: Uncertain significance for Cardiovascular phenotype. Last evaluated: 2025-05-02. Review status: criteria provided, single submitter. Criteria: Ambry Variant Classification Scheme 2023. Collection method: clinical testing. Allele origin: germline.
Comment: The p.Y640C variant (also known as c.1919A>G), located in coding exon 14 of the APOB gene, results from an A to G substitution at nucleotide position 1919. The tyrosine at codon 640 is replaced by cysteine, an amino acid with highly dissimilar properties. This amino acid position is conserved. In addition, this alteration is predicted to be tolerated by in silico analysis. Based on the available evidence, the clinical significance of this variant remains unclear.